The following is an entry in ClinVar:

NM_000474.4(TWIST1):c.510dup (p.Lys171fs)

Genes: TWIST1 (twist family bHLH transcription factor 1; minus strand), LOC129998021 (ATAC-STARR-seq lymphoblastoid active region 25682; plus strand). Cytogenetic location: 7p21.1.
Variant type: Duplication.
Coding change: c.510dup on transcript NM_000474.4 (MANE Select); coding-DNA position 510, one base duplicated (C; older notation c.510dupC).
Protein change: p.Lys171fs; shifts the reading frame from lysine 171.
Molecular consequence: frameshift variant. On other transcripts: non-coding transcript variant (1).
Genome position (GRCh38, 1-based): chr7:19,116,812, G duplicated on the plus strand (C on the coding strand, the reverse complement: TWIST1 is on the minus strand); the first of 2 consecutive G bases (chr7:19,116,812-19,116,813); duplicating either gives the same sequence. VCF-style (leftmost placement, unchanged base first): chr7-19116811-T-TG. GRCh37 (hg19) VCF-style: chr7-19156434-T-TG.
Other names: short protein forms K171fs.
Identifiers: ClinVar variation 1514348 (VCV001514348.8), dbSNP rs2115396517, ClinGen allele CA915940498.

ClinVar aggregate classification (germline): Uncertain significance (1 of 4 stars; one submission).

Conditions:
TWIST1-related craniosynostosis (CRS1). Also called: CRANIOSYNOSTOSIS 1. Identifiers: Orphanet 63440, MedGen C4551902, MONDO:0007399, OMIM 123100. Inheritance: Heterogenous inheritance pattern.
Saethre-Chotzen syndrome (SCS). Also called: ACROCEPHALY, SKULL ASYMMETRY, AND MILD SYNDACTYLY; ACS III; CHOTZEN SYNDROME. Identifiers: Orphanet 794, MedGen C0175699, MONDO:0007042, OMIM 101400.

Submission:

Labcorp Genetics (formerly Invitae), Labcorp
Classification: Uncertain significance for TWIST1-related craniosynostosis; Saethre-Chotzen syndrome. Last evaluated: 2021-04-17. Review status: criteria provided, single submitter. Criteria: Invitae Variant Classification Sherloc (09022015). Collection method: clinical testing. Allele origin: germline.
Comment: This sequence change results in a frameshift in the TWIST1 gene (p.Lys171Glnfs*67). While this is not anticipated to result in nonsense mediated decay, it is expected to disrupt the last 32 amino acid(s) of the TWIST1 protein and extend the protein by 34 additional amino acid residues. In summary, the available evidence is currently insufficient to determine the role of this variant in disease. Therefore, it has been classified as a Variant of Uncertain Significance. This variant has been observed in individual(s) with clinical features of Saethre-Chotzen syndrome (Invitae). This variant is not present in population databases (ExAC no frequency).